The following is an entry in ClinVar:

ClinVar aggregate classification (germline): Benign (0 of 4 stars; one submission).

Conditions:
KCNQ1-related disorder. Also called: KCNQ1-related condition; KCNQ1-related disorders. Identifiers: MedGen CN239322.

Allele frequency attached by ClinVar (database versions not stated): gnomAD exomes 0.01536; TOPMed 0.01817; 1000 Genomes Project 30x 0.03232; 1000 Genomes Project 0.03435.
gnomAD v4.1: 6,291 of 395,904 alleles (1.6%); highest among the groups gnomAD compares: East Asian, 7.9%; 169 homozygotes.

Submission:

PreventionGenetics, part of Exact Sciences
Classification: Benign for KCNQ1-related condition. Last evaluated: 2019-07-29. Review status: no assertion criteria provided. Collection method: clinical testing. Allele origin: germline.
Comment: This variant is classified as benign based on ACMG/AMP sequence variant interpretation guidelines (Richards et al. 2015 PMID: 25741868, with internal and published modifications).

NM_000218.3(KCNQ1):c.1514+3405G>A

Genes: KCNQ1 (potassium voltage-gated channel subfamily Q member 1; plus strand), KCNQ1OT1 (KCNQ1 opposite strand/antisense transcript 1; minus strand). Cytogenetic location: 11p15.5.
Variant type: single nucleotide variant.
Coding change: c.1514+3405G>A on transcript NM_000218.3 (MANE Select); 3405 bases into the intron after coding-DNA position 1514, G replaced by A.
Molecular consequence: intron variant. On other transcripts: non-coding transcript variant (1).
Genome position (GRCh38, 1-based): chr11:2,665,486, G>A. VCF-style: chr11-2665486-G-A. GRCh37 (hg19) VCF-style: chr11-2686716-G-A.
Other names: c.1244+3405G>A (NM_001406837.1); c.1418+3405G>A (NM_001406836.1); c.974+3405G>A (NM_001406838.1); c.1133+3405G>A (NM_181798.2).
Identifiers: ClinVar variation 3041519 (VCV003041519.2), dbSNP rs2283182, ClinGen allele CA216174076.